The following is an entry in ClinVar:

ClinVar aggregate classification (germline): Uncertain significance (1 of 4 stars; one submission).

Submission:

GeneDx
Classification: Uncertain significance. Last evaluated: 2019-12-10. Review status: criteria provided, single submitter. Criteria: GeneDx Variant Classification Process June 2021. Collection method: clinical testing. Allele origin: germline. Affected: yes.
Comment: Not observed in large population cohorts (Lek et al., 2016); Has not been previously published as pathogenic or benign to our knowledge; In silico analysis, which includes splice predictors and evolutionary conservation, suggests this variant may impact gene splicing. In the absence of RNA/functional studies, the actual effect of this sequence change is unknown

NM_006612.6(KIF1C):c.528G>T (p.Pro176=)

Gene: KIF1C (kinesin family member 1C; plus strand). Cytogenetic location: 17p13.2.
Variant type: single nucleotide variant.
Coding change: c.528G>T on transcript NM_006612.6 (MANE Select); coding-DNA position 528, G replaced by T.
Protein change: p.Pro176=; no amino-acid change (proline 176 retained).
Molecular consequence: synonymous variant.
Genome position (GRCh38, 1-based): chr17:5,002,562, G>T. VCF-style: chr17-5002562-G-T. GRCh37 (hg19) VCF-style: chr17-4905857-G-T.
Identifiers: ClinVar variation 1310955 (VCV001310955.2), dbSNP rs775719793, ClinGen allele CA497555234.
Genomic context (GRCh38, chr17:5,002,562, plus strand): 5'-CCTCTTGAACCCCAAGAGTCGGGGTTCTCTGCGGGTCCGGGAGCACCCCATCCTGGGCCC[G>T]TACGTGCAGGACCTGTCCAAATTGGCTGTGACCTCCTACGCAGACATTGCTGACCTCATG-3'
Protein context (NP_006603.2, residues 166-186): LRVREHPILG[Pro176=]YVQDLSKLAV